The following is an entry in ClinVar:

ClinVar aggregate classification (germline): Conflicting classifications of pathogenicity. Review status: criteria provided, conflicting classifications (1 of 4 stars). 5 submissions from 5 submitters: Uncertain significance (1); Likely benign (4). Last evaluated 2025-11-21.

Conditions:
TGFB3-related disorder. Also called: TGFB3-related condition.
Rienhoff syndrome. Also called: LOEYS-DIETZ SYNDROME 5. Identifiers: MedGen C3810012, MONDO:0014262, OMIM 615582.
Familial thoracic aortic aneurysm and aortic dissection (TAAD). Also called: Thoracic aortic aneurysms and dissections. Identifiers: Orphanet 91387, MedGen C4707243, MONDO:0019625.

Allele frequency attached by ClinVar (database versions not stated): ExAC 0.00002; gnomAD exomes 0.00002 and 0.00013; gnomAD 0.00004; TOPMed 0.00004; ESP Exome Variant Server 0.00023.
gnomAD v4.1: 188 of 1,614,056 alleles (0.012%); highest among the groups gnomAD compares: Non-Finnish European, 0.015%; no homozygotes.

Submissions (5):

Labcorp Genetics (formerly Invitae), Labcorp
Classification: Likely benign for Rienhoff syndrome. Last evaluated: 2025-11-21. Review status: criteria provided, single submitter. Criteria: Invitae Variant Classification Sherloc (09022015). Collection method: clinical testing. Allele origin: germline.

GeneDx
Classification: Uncertain significance. Last evaluated: 2025-05-28. Review status: criteria provided, single submitter. Criteria: GeneDx Variant Classification Process June 2021. Collection method: clinical testing. Allele origin: germline. Affected: yes.
Comment: Not observed at significant frequency in large population cohorts (gnomAD); Has not been previously published as pathogenic or benign to our knowledge; In silico analysis suggests this variant may impact gene splicing. In the absence of RNA/functional studies, the actual effect of this sequence change is unknown.

PreventionGenetics, part of Exact Sciences
Classification: Likely benign for TGFB3-related condition. Last evaluated: 2024-12-17. Review status: criteria provided, single submitter. Criteria: ACMG Guidelines, 2015. Collection method: clinical testing. Allele origin: germline.
Comment: This variant is classified as likely benign based on ACMG/AMP sequence variant interpretation guidelines (Richards et al. 2015 PMID: 25741868, with internal and published modifications).

Blueprint Genetics
Classification: Likely benign. Last evaluated: 2024-04-25. Review status: criteria provided, single submitter. Criteria: ACMG Guidelines, 2015. Collection method: clinical testing. Allele origin: germline.

Ambry Genetics
Classification: Likely benign for Familial thoracic aortic aneurysm and aortic dissection. Last evaluated: 2019-12-05. Review status: criteria provided, single submitter. Criteria: Ambry Variant Classification Scheme 2023. Collection method: clinical testing. Allele origin: germline.

NM_003239.5(TGFB3):c.192C>T (p.His64=)

Gene: TGFB3 (transforming growth factor beta 3; minus strand). Cytogenetic location: 14q24.3.
Variant type: single nucleotide variant.
Coding change: c.192C>T on transcript NM_003239.5 (MANE Select); coding-DNA position 192, C replaced by T.
Protein change: p.His64=; no amino-acid change (histidine 64 retained).
Molecular consequence: synonymous variant.
Genome position (GRCh38, 1-based): chr14:75,980,702, G>A on the plus strand (C>T on the coding strand, the complement: TGFB3 is on the minus strand). VCF-style: chr14-75980702-G-A. GRCh37 (hg19) VCF-style: chr14-76447045-G-A.
Other names: c.192C>T (NM_003239.4); c.192C>T, p.His64= (NM_001329938.2, NM_001329939.2).
Identifiers: ClinVar variation 508661 (VCV000508661.19), dbSNP rs374423962, ClinGen allele CA7280498.